The following is an entry in ClinVar:

ClinVar aggregate classification (germline): Conflicting classifications of pathogenicity. Review status: criteria provided, conflicting classifications (1 of 4 stars). 8 submissions from 8 submitters: Uncertain significance (3); Likely benign (1). 4 of the submissions do not count toward it. Last evaluated 2024-11-05.

Conditions:
Dilated cardiomyopathy 1G (CMD1G). Identifiers: Orphanet 154, MedGen C1858763, MONDO:0011400, OMIM 604145.
Autosomal recessive limb-girdle muscular dystrophy type 2J (LGMDR10). Also called: Limb-girdle muscular dystrophy, type 2J; MUSCULAR DYSTROPHY, LIMB-GIRDLE, AUTOSOMAL RECESSIVE 10. Identifiers: Orphanet 140922, MedGen C1837342, MONDO:0012127, OMIM 608807.

Allele frequency attached by ClinVar (database versions not stated): gnomAD exomes 0.00002; ExAC 0.00003; TOPMed 0.00003; gnomAD 0.00004.
gnomAD v4.1: 41 of 1,613,724 alleles (0.0025%); highest among the groups gnomAD compares: South Asian, 0.0077%; no homozygotes.

Submissions (8):

Revvity Omics, Revvity
Classification: Uncertain significance. Last evaluated: 2024-11-05. Review status: criteria provided, single submitter. Criteria: ACMG Guidelines, 2015. Collection method: clinical testing. Allele origin: germline.

GeneDx
Classification: Likely benign. Last evaluated: 2019-01-11. Review status: criteria provided, single submitter. Criteria: GeneDx Variant Classification Process June 2021. Collection method: clinical testing. Allele origin: germline. Affected: yes.
Comment: See Variant Classification Assertion Criteria.

Athena Diagnostics
Classification: Uncertain significance. Last evaluated: 2017-05-30. Review status: criteria provided, single submitter. Criteria: Athena Diagnostics Criteria. Collection method: clinical testing. Allele origin: germline.

Labcorp Genetics (formerly Invitae), Labcorp
Classification: Uncertain significance for Dilated cardiomyopathy 1G; Autosomal recessive limb-girdle muscular dystrophy type 2J. Last evaluated: 2016-08-19. Review status: criteria provided, single submitter. Criteria: Invitae Variant Classification Sherloc (09022015). Collection method: clinical testing. Allele origin: germline.

Clinical Genetics DNA and cytogenetics Diagnostics Lab, Erasmus MC, Erasmus Medical Center
Classification: Uncertain significance. Review status: no assertion criteria provided. Collection method: clinical testing. Allele origin: germline. Affected: yes. Study: VKGL Data-share Consensus. Not counted in ClinVar's aggregate classification.

Clinical Genetics, Academic Medical Center
Classification: Uncertain significance. Review status: no assertion criteria provided. Collection method: clinical testing. Allele origin: germline. Affected: yes. Study: VKGL Data-share Consensus. Not counted in ClinVar's aggregate classification.

Diagnostic Laboratory, Department of Genetics, University Medical Center Groningen
Classification: Uncertain significance. Review status: no assertion criteria provided. Collection method: clinical testing. Allele origin: germline. Affected: yes. Study: VKGL Data-share Consensus. Not counted in ClinVar's aggregate classification.

Laboratory of Diagnostic Genome Analysis, Leiden University Medical Center (LUMC)
Classification: Uncertain significance. Review status: no assertion criteria provided. Collection method: clinical testing. Allele origin: germline. Affected: yes. Study: VKGL Data-share Consensus. Not counted in ClinVar's aggregate classification.

NM_001267550.2(TTN):c.93179G>A (p.Arg31060His)

Genes: TTN-AS1 (TTN antisense RNA 1; plus strand), TTN (titin; minus strand). Cytogenetic location: 2q31.2.
Variant type: single nucleotide variant.
Coding change: c.93179G>A on transcript NM_001267550.2 (MANE Select); coding-DNA position 93179, G replaced by A.
Protein change: p.Arg31060His; replaces arginine 31060 with histidine.
Molecular consequence: missense variant.
Genome position (GRCh38, 1-based): chr2:178,548,447, C>T on the plus strand (G>A on the coding strand, the complement: TTN is on the minus strand). VCF-style: chr2-178548447-C-T. GRCh37 (hg19) VCF-style: chr2-179413174-C-T.
Other names: c.93179G>A (LRG_391t1); c.88256G>A, p.Arg29419His (NM_001256850.1); c.65984G>A, p.Arg21995His (NM_003319.4); c.85475G>A, p.Arg28492His (NM_133378.4); c.66359G>A, p.Arg22120His (NM_133432.3); c.66560G>A, p.Arg22187His (NM_133437.4); short protein forms R31060H, R28492H, R21995H, R29419H, R22120H, R22187H.
Identifiers: ClinVar variation 404846 (VCV000404846.13), dbSNP rs776018262, ClinGen allele CA1987341.